The following is an entry in ClinVar:

NM_022042.4(SLC26A1):c.52C>T (p.Arg18Ter)

Genes: IDUA (alpha-L-iduronidase; plus strand), SLC26A1 (solute carrier family 26 member 1; minus strand). Cytogenetic location: 4p16.3.
Variant type: single nucleotide variant.
Coding change: c.52C>T on transcript NM_022042.4 (MANE Select); coding-DNA position 52, C replaced by T.
Protein change: p.Arg18Ter; replaces arginine 18 with a stop codon.
Molecular consequence: nonsense. On other transcripts: intron variant (1).
Genome position (GRCh38, 1-based): chr4:991,652, G>A on the plus strand (C>T on the coding strand, the complement: SLC26A1 is on the minus strand). VCF-style: chr4-991652-G-A. GRCh37 (hg19) VCF-style: chr4-985440-G-A.
Other names: c.52C>T, p.Arg18Ter (NM_134425.4, NM_213613.4); c.299+3703G>A (NM_000203.5); short protein forms R18*.
Identifiers: ClinVar variation 2883613 (VCV002883613.4), dbSNP rs142648939, ClinGen allele CA2801789.

ClinVar aggregate classification (germline): Uncertain significance. Review status: criteria provided, multiple submitters, no conflicts (2 of 4 stars). 2 submissions from 2 submitters: Uncertain significance (2). Last evaluated 2025-06-27.

Conditions:
Hypersulfaturia (HYSULF). Identifiers: MedGen C5830511, MONDO:0957268, OMIM 620372.
Nephrolithiasis susceptibility caused by SLC26A1 (CAON1). Also called: NEPHROLITHIASIS, CALCIUM OXALATE, 1. Identifiers: MedGen C5779632, MONDO:0020722, OMIM 167030.

Allele frequency attached by ClinVar (database versions not stated): TOPMed 0.00002; ESP Exome Variant Server 0.00008; gnomAD 0.00003; gnomAD exomes 0.00003; ExAC 0.00008.
gnomAD v4.1: 52 of 1,549,746 alleles (0.0034%); highest among the groups gnomAD compares: South Asian, 0.0061%; no homozygotes.

Submissions (2):

Labcorp Genetics (formerly Invitae), Labcorp
Classification: Uncertain significance. Last evaluated: 2025-06-27. Review status: criteria provided, single submitter. Criteria: Invitae Variant Classification Sherloc (09022015). Collection method: clinical testing. Allele origin: germline.
Comment: This sequence change creates a premature translational stop signal (p.Arg18*) in the SLC26A1 gene. It is expected to result in an absent or disrupted protein product. However, the current clinical and genetic evidence is not sufficient to establish whether loss-of-function variants in SLC26A1 cause disease. This variant is present in population databases (rs142648939, gnomAD 0.006%). This variant has not been reported in the literature in individuals affected with SLC26A1-related conditions. ClinVar contains an entry for this variant (Variation ID: 2883613). Experimental studies and prediction algorithms are not available or were not evaluated, and the functional significance of this variant is currently unknown. In summary, the available evidence is currently insufficient to determine the role of this variant in disease. Therefore, it has been classified as a Variant of Uncertain Significance.

Fulgent Genetics
Classification: Uncertain significance for Nephrolithiasis susceptibility caused by SLC26A1; Hypersulfaturia. Last evaluated: 2024-02-28. Review status: criteria provided, single submitter. Criteria: ACMG Guidelines, 2015. Collection method: clinical testing. Allele origin: germline.